The following is an entry in ClinVar:

NM_004859.4(CLTC):c.3229G>A (p.Val1077Ile)

Gene: CLTC (clathrin heavy chain; plus strand). Cytogenetic location: 17q23.1.
Variant type: single nucleotide variant.
Coding change: c.3229G>A on transcript NM_004859.4 (MANE Select); coding-DNA position 3229, G replaced by A.
Protein change: p.Val1077Ile; replaces valine 1077 with isoleucine.
Molecular consequence: missense variant.
Genome position (GRCh38, 1-based): chr17:59,681,458, G>A. VCF-style: chr17-59681458-G-A. GRCh37 (hg19) VCF-style: chr17-57758819-G-A.
Other names: c.3241G>A, p.Val1081Ile (NM_001288653.2); short protein forms V1077I, V1081I.
Identifiers: ClinVar variation 1309519 (VCV001309519.2), dbSNP rs2143591677, ClinGen allele CA400417304.

ClinVar aggregate classification (germline): Uncertain significance (1 of 4 stars; one submission).

Submission:

GeneDx
Classification: Uncertain significance. Last evaluated: 2019-10-28. Review status: criteria provided, single submitter. Criteria: GeneDx Variant Classification Process June 2021. Collection method: clinical testing. Allele origin: germline. Affected: yes.
Comment: Not observed in large population cohorts (Lek et al., 2016); In silico analysis, which includes protein predictors and evolutionary conservation, supports that this variant does not alter protein structure/function; Has not been previously published as pathogenic or benign to our knowledge